The following is an entry in ClinVar:

ClinVar aggregate classification (germline): Uncertain significance (1 of 4 stars; one submission).

Conditions:
Autosomal recessive ataxia, Beauce type. Also called: SYNE1-Related Autosomal Recessive Cerebellar Ataxia; Spinocerebellar ataxia, autosomal recessive 8; ATAXIA, RECESSIVE, OF BEAUCE; SYNE1 Deficiency. Identifiers: Orphanet 88644, MedGen C1853116, MONDO:0012549, OMIM 610743.
Emery-Dreifuss muscular dystrophy 4, autosomal dominant (EDMD4). Also called: EMERY-DREIFUSS MUSCULAR DYSTROPHY 4 WITH VARIABLE FEATURES. Identifiers: Orphanet 261, MedGen C2751807, MONDO:0013071, OMIM 612998.

Allele frequency attached by ClinVar (database versions not stated): gnomAD exomes below 0.00001.
gnomAD v4.1: 2 of 1,614,200 alleles (0.00012%); highest among the groups gnomAD compares: Admixed American, 0.0033%; no homozygotes.

Submission:

Labcorp Genetics (formerly Invitae), Labcorp
Classification: Uncertain significance for Emery-Dreifuss muscular dystrophy 4, autosomal dominant; Autosomal recessive ataxia, Beauce type. Last evaluated: 2021-11-19. Review status: criteria provided, single submitter. Criteria: Invitae Variant Classification Sherloc (09022015). Collection method: clinical testing. Allele origin: germline.
Comment: In summary, the available evidence is currently insufficient to determine the role of this variant in disease. Therefore, it has been classified as a Variant of Uncertain Significance. Algorithms developed to predict the effect of missense changes on protein structure and function are either unavailable or do not agree on the potential impact of this missense change (SIFT: "Deleterious"; PolyPhen-2: "Possibly Damaging"; Align-GVGD: "Class C0"). This variant has not been reported in the literature in individuals affected with SYNE1-related conditions. This variant is not present in population databases (gnomAD no frequency). This sequence change replaces asparagine, which is neutral and polar, with histidine, which is basic and polar, at codon 7856 of the SYNE1 protein (p.Asn7856His).

NM_182961.4(SYNE1):c.23779A>C (p.Asn7927His)

Gene: SYNE1 (spectrin repeat containing nuclear envelope protein 1; minus strand). Cytogenetic location: 6q25.2.
Variant type: single nucleotide variant.
Coding change: c.23779A>C on transcript NM_182961.4 (MANE Select); coding-DNA position 23779, A replaced by C.
Protein change: p.Asn7927His; replaces asparagine 7927 with histidine.
Molecular consequence: missense variant.
Genome position (GRCh38, 1-based): chr6:152,164,174, T>G on the plus strand (A>C on the coding strand, the complement: SYNE1 is on the minus strand). VCF-style: chr6-152164174-T-G. GRCh37 (hg19) VCF-style: chr6-152485309-T-G.
Other names: c.385A>C, p.Asn129His (NM_001347701.2); c.244A>C, p.Asn82His (NM_001347702.2); c.23566A>C, p.Asn7856His (NM_033071.5); short protein forms N7856H, N82H, N129H, N7927H.
Identifiers: ClinVar variation 1499192 (VCV001499192.4), dbSNP rs2063133832, ClinGen allele CA366088518.
Genomic context (GRCh38, chr6:152,164,174, plus strand): 5'-GGACAGATATTCCATGGCTTATTAATTCCATTTCCATTTTAAGTCTTACCTGCTGCTCAT[T>G]AAGCTTTCTCTGTATTTCTTCCGAGTTACAGGAATCGTAGACTATTGGCTTGGCCAGCTC-3'
Protein context (NP_892006.3, residues 7917-7937): CNSEEIQRKL[Asn7927His]EQQELQRDIE